The following is an entry in ClinVar:

NM_000428.3(LTBP2):c.496A>G (p.Arg166Gly)

Gene: LTBP2 (latent transforming growth factor beta binding protein 2; minus strand). Cytogenetic location: 14q24.3.
Variant type: single nucleotide variant.
Coding change: c.496A>G on transcript NM_000428.3 (MANE Select); coding-DNA position 496, A replaced by G.
Protein change: p.Arg166Gly; replaces arginine 166 with glycine.
Molecular consequence: missense variant.
Genome position (GRCh38, 1-based): chr14:74,603,704, T>C on the plus strand (A>G on the coding strand, the complement: LTBP2 is on the minus strand). VCF-style: chr14-74603704-T-C. GRCh37 (hg19) VCF-style: chr14-75070407-T-C.
Other names: c.496A>G (NM_000428.2); short protein forms R166G.
Identifiers: ClinVar variation 2076661 (VCV002076661.2), dbSNP rs1249566598, ClinGen allele CA390386681.

ClinVar aggregate classification (germline): Uncertain significance. Review status: criteria provided, multiple submitters, no conflicts (2 of 4 stars). 2 submissions from 2 submitters: Uncertain significance (2). Last evaluated 2024-10-21.

Conditions:
Inborn genetic diseases. Identifiers: MedGen C0950123, MeSH D030342.

Allele frequency attached by ClinVar (database versions not stated): gnomAD 0.00001; TOPMed 0.00001.
gnomAD v4.1: 1 of 1,613,908 alleles (0.000062%); highest among the groups gnomAD compares: Non-Finnish European, 0.000085%; no homozygotes.

Submissions (2):

Ambry Genetics
Classification: Uncertain significance for Inborn genetic diseases. Last evaluated: 2024-10-21. Review status: criteria provided, single submitter. Criteria: Ambry Variant Classification Scheme 2023. Collection method: clinical testing. Allele origin: germline.

Labcorp Genetics (formerly Invitae), Labcorp
Classification: Uncertain significance. Last evaluated: 2022-03-04. Review status: criteria provided, single submitter. Criteria: Invitae Variant Classification Sherloc (09022015). Collection method: clinical testing. Allele origin: germline.
Comment: This sequence change replaces arginine, which is basic and polar, with glycine, which is neutral and non-polar, at codon 166 of the LTBP2 protein (p.Arg166Gly). This variant is not present in population databases (gnomAD no frequency). This variant has not been reported in the literature in individuals affected with LTBP2-related conditions. Algorithms developed to predict the effect of missense changes on protein structure and function (SIFT, PolyPhen-2, Align-GVGD) all suggest that this variant is likely to be disruptive. In summary, the available evidence is currently insufficient to determine the role of this variant in disease. Therefore, it has been classified as a Variant of Uncertain Significance.